The following is an entry in ClinVar:

ClinVar aggregate classification (germline): Uncertain significance (1 of 4 stars; one submission).

Conditions:
Emery-Dreifuss muscular dystrophy 5, autosomal dominant (EDMD5). Also called: EMERY-DREIFUSS MUSCULAR DYSTROPHY 5. Identifiers: Orphanet 261, MedGen C2751805, MONDO:0013072, OMIM 612999.

gnomAD v4.1: 1 of 1,613,602 alleles (0.000062%); highest among the groups gnomAD compares: African/African-American, 0.0013%; no homozygotes.

Submission:

Labcorp Genetics (formerly Invitae), Labcorp
Classification: Uncertain significance for Emery-Dreifuss muscular dystrophy 5, autosomal dominant. Last evaluated: 2018-09-25. Review status: criteria provided, single submitter. Criteria: Invitae Variant Classification Sherloc (09022015). Collection method: clinical testing. Allele origin: germline.
Comment: This sequence change replaces asparagine with lysine at codon 1059 of the SYNE2 protein (p.Asn1059Lys). The asparagine residue is moderately conserved and there is a moderate physicochemical difference between asparagine and lysine. This variant is not present in population databases (ExAC no frequency). This variant has not been reported in the literature in individuals with SYNE2-related disease. Algorithms developed to predict the effect of missense changes on protein structure and function are either unavailable or do not agree on the potential impact of this missense change (SIFT: "Deleterious"; PolyPhen-2: "Probably Damaging"; Align-GVGD: "Class C0"). In summary, the available evidence is currently insufficient to determine the role of this variant in disease. Therefore, it has been classified as a Variant of Uncertain Significance.

NM_182914.3(SYNE2):c.3177T>G (p.Asn1059Lys)

Gene: SYNE2 (spectrin repeat containing nuclear envelope protein 2; plus strand). Cytogenetic location: 14q23.2.
Variant type: single nucleotide variant.
Coding change: c.3177T>G on transcript NM_182914.3 (MANE Select); coding-DNA position 3177, T replaced by G.
Protein change: p.Asn1059Lys; replaces asparagine 1059 with lysine.
Molecular consequence: missense variant.
Genome position (GRCh38, 1-based): chr14:63,997,325, T>G. VCF-style: chr14-63997325-T-G. GRCh37 (hg19) VCF-style: chr14-64464043-T-G.
Other names: c.3177T>G, p.Asn1059Lys (NM_015180.6); short protein forms N1059K.
Identifiers: ClinVar variation 654294 (VCV000654294.1), dbSNP rs1594758891, ClinGen allele CA389988726.